The following is an entry in ClinVar:

ClinVar aggregate classification (germline): Likely benign. Review status: criteria provided, single submitter (1 of 4 stars). 2 submissions from 2 submitters: Likely benign (1). 1 of the submissions does not count toward it. Last evaluated 2025-09-25.

Conditions:
Frontotemporal dementia and/or amyotrophic lateral sclerosis 1 (FTDALS1). Also called: C9orf72 Frontotemporal Dementia and/or Amyotrophic Lateral Sclerosis; Frontotemporal dementia with motor neuron disease 1. Identifiers: Orphanet 275872, MedGen C5779877, MONDO:0007105, OMIM 105550.
Paget disease of bone 2, early-onset (PDB2). Also called: Paget disease of bone 2. Identifiers: MedGen C4085251, MONDO:0011183, OMIM 602080.
SQSTM1-related disorder. Also called: SQSTM1-Related Disorders.

Allele frequency attached by ClinVar (database versions not stated): gnomAD exomes 0.00002; gnomAD 0.00004 and 0.00005; TOPMed 0.00004; ExAC 0.00005; ESP Exome Variant Server 0.00008; 1000 Genomes Project 30x 0.00016; 1000 Genomes Project 0.00020.
gnomAD v4.1: 37 of 1,604,354 alleles (0.0023%); highest among the groups gnomAD compares: Middle Eastern, 0.017%; no homozygotes.

Submissions (2):

Labcorp Genetics (formerly Invitae), Labcorp
Classification: Likely benign for Paget disease of bone 2, early-onset; Frontotemporal dementia and/or amyotrophic lateral sclerosis 1. Last evaluated: 2025-09-25. Review status: criteria provided, single submitter. Criteria: Invitae Variant Classification Sherloc (09022015). Collection method: clinical testing. Allele origin: germline.

PreventionGenetics, part of Exact Sciences
Classification: Likely benign for SQSTM1-related condition. Last evaluated: 2022-10-12. Review status: no assertion criteria provided. Collection method: clinical testing. Allele origin: germline. Not counted in ClinVar's aggregate classification.
Comment: This variant is classified as likely benign based on ACMG/AMP sequence variant interpretation guidelines (Richards et al. 2015 PMID: 25741868, with internal and published modifications).

NM_003900.5(SQSTM1):c.942C>T (p.Ile314=)

Gene: SQSTM1 (sequestosome 1; plus strand). Cytogenetic location: 5q35.3.
Variant type: single nucleotide variant.
Coding change: c.942C>T on transcript NM_003900.5 (MANE Select); coding-DNA position 942, C replaced by T.
Protein change: p.Ile314=; no amino-acid change (isoleucine 314 retained).
Molecular consequence: synonymous variant.
Genome position (GRCh38, 1-based): chr5:179,833,219, C>T. VCF-style: chr5-179833219-C-T. GRCh37 (hg19) VCF-style: chr5-179260219-C-T.
Other names: c.690C>T, p.Ile230= (NM_001142298.2, NM_001142299.2); c.942C>T (NM_003900.4).
Identifiers: ClinVar variation 1116787 (VCV001116787.11), dbSNP rs200695664, ClinGen allele CA3600735.